The following is an entry in ClinVar:

ClinVar aggregate classification (germline): Uncertain significance (1 of 4 stars; one submission).

Submission:

Labcorp Genetics (formerly Invitae), Labcorp
Classification: Uncertain significance. Last evaluated: 2024-10-03. Review status: criteria provided, single submitter. Criteria: Invitae Variant Classification Sherloc (09022015). Collection method: clinical testing. Allele origin: germline.
Comment: This sequence change replaces valine, which is neutral and non-polar, with methionine, which is neutral and non-polar, at codon 357 of the SLC16A12 protein (p.Val357Met). This variant is present in population databases (rs148982778, gnomAD 0.04%). This variant has not been reported in the literature in individuals affected with SLC16A12-related conditions. An algorithm developed to predict the effect of missense changes on protein structure and function (PolyPhen-2) suggests that this variant is likely to be disruptive. In summary, the available evidence is currently insufficient to determine the role of this variant in disease. Therefore, it has been classified as a Variant of Uncertain Significance.

NM_213606.4(SLC16A12):c.1069G>A (p.Val357Met)

Gene: SLC16A12 (solute carrier family 16 member 12; minus strand). Cytogenetic location: 10q23.31.
Variant type: single nucleotide variant.
Coding change: c.1069G>A on transcript NM_213606.4 (MANE Select); coding-DNA position 1069, G replaced by A.
Protein change: p.Val357Met; replaces valine 357 with methionine.
Molecular consequence: missense variant.
Genome position (GRCh38, 1-based): chr10:89,436,279, C>T on the plus strand (G>A on the coding strand, the complement: SLC16A12 is on the minus strand). VCF-style: chr10-89436279-C-T. GRCh37 (hg19) VCF-style: chr10-91196036-C-T.
Other names: short protein forms V357M.
Identifiers: ClinVar variation 3712671 (VCV003712671.2).